The following is an entry in ClinVar:

ClinVar aggregate classification (germline): Uncertain significance (1 of 4 stars; one submission).

Conditions:
Lethal multiple pterygium syndrome (LMPS). Identifiers: Orphanet 33108, MedGen C1854678, MONDO:0009668, OMIM 253290.

Submission:

Labcorp Genetics (formerly Invitae), Labcorp
Classification: Uncertain significance for Lethal multiple pterygium syndrome. Last evaluated: 2022-07-12. Review status: criteria provided, single submitter. Criteria: Invitae Variant Classification Sherloc (09022015). Collection method: clinical testing. Allele origin: germline.
Comment: This variant, c.1448_1450del, results in the deletion of 1 amino acid(s) of the CHRND protein (p.Val483del), but otherwise preserves the integrity of the reading frame. This variant is not present in population databases (gnomAD no frequency). This variant has not been reported in the literature in individuals affected with CHRND-related conditions. Experimental studies and prediction algorithms are not available or were not evaluated, and the functional significance of this variant is currently unknown. In summary, the available evidence is currently insufficient to determine the role of this variant in disease. Therefore, it has been classified as a Variant of Uncertain Significance.

NM_000751.3(CHRND):c.1442TGG[2] (p.Val483del)

Gene: CHRND (cholinergic receptor nicotinic delta subunit; plus strand). Cytogenetic location: 2q37.1.
Variant type: Microsatellite.
Coding change: c.1442TGG[2] on transcript NM_000751.3 (MANE Select); two copies in a row of the 3-base unit TGG starting at c.1442; the reference has three copies in a row; one copy, 3 bases deleted.
Protein change: p.Val483del; deletes valine 483.
Molecular consequence: inframe deletion.
Genome position (GRCh38, 1-based): chr2:232,535,206-232,535,208, TGG deleted; deleting any 3 consecutive bases within chr2:232,535,200-232,535,208 gives the same sequence; the position shown is the placement nearest the transcript's 3' end. VCF-style (leftmost placement, unchanged base first): chr2-232535199-ATGG-A. GRCh37 (hg19) VCF-style: chr2-233399909-ATGG-A.
Other names: c.1397TGG[2], p.Val468del (NM_001256657.2); c.860TGG[2], p.Val289del (NM_001311195.2); c.1139TGG[2], p.Val382del (NM_001311196.2); short protein forms V483del, V289del, V382del, V468del.
Identifiers: ClinVar variation 2090485 (VCV002090485.4), dbSNP rs2469737571, ClinGen allele CA2580614110.